The following is an entry in ClinVar:

ClinVar aggregate classification (germline): Uncertain significance (1 of 4 stars; one submission).

Allele frequency attached by ClinVar (database versions not stated): gnomAD 0.00001; gnomAD exomes 0.00001; TOPMed 0.00001.
gnomAD v4.1: 4 of 1,210,017 alleles (0.00033%); highest among the groups gnomAD compares: Non-Finnish European, 0.00045%; no homozygotes.

Submission:

GeneDx
Classification: Uncertain significance. Last evaluated: 2020-02-04. Review status: criteria provided, single submitter. Criteria: GeneDx Variant Classification Process June 2021. Collection method: clinical testing. Allele origin: germline. Affected: yes.
Comment: Not observed in large population cohorts (Lek et al., 2016); Has not been previously published as pathogenic or benign to our knowledge; In-silico analysis, which includes splice predictors and evolutionary conservation, is inconclusive as to whether the variant alters gene splicing. In the absence of RNA/functional studies, the actual effect of this sequence change is unknown.

NM_021120.4(DLG3):c.985+4C>T

Gene: DLG3 (discs large MAGUK scaffold protein 3; plus strand). Cytogenetic location: Xq13.1.
Variant type: single nucleotide variant.
Coding change: c.985+4C>T on transcript NM_021120.4 (MANE Select); 4 bases into the intron after coding-DNA position 985, C replaced by T.
Molecular consequence: intron variant.
Genome position (GRCh38, 1-based): chrX:70,450,787, C>T. VCF-style: chrX-70450787-C-T. GRCh37 (hg19) VCF-style: chrX-69670637-C-T.
Identifiers: ClinVar variation 421716 (VCV000421716.3), dbSNP rs1064795316, ClinGen allele CA16621478.
Genomic context (GRCh38, chrX:70,450,787, plus strand): 5'-CCAAGCCAGGCAGCCTCCACCTCAACGACATGTACGCTCCCCCTGACTACGCCAGCAGTA[C>T]GTACTCATCAGCCCCTGTCCCTGGTCTAAAGCTCTGTCCCCTGGTTTCTGGAGGGGAAGA-3'